The following is an entry in ClinVar:

ClinVar aggregate classification (germline): Conflicting classifications of pathogenicity. Review status: criteria provided, conflicting classifications (1 of 4 stars). 13 submissions from 13 submitters: Uncertain significance (1); Benign (6); Likely benign (5). 1 of the submissions does not count toward it. Last evaluated 2026-03-01.

Conditions:
Connective tissue disorder. Also called: Connective tissue disease. Identifiers: MedGen C0009782, MONDO:0003900.
COL3A1-related disorder. Also called: COL3A1-related condition.
Ehlers-Danlos syndrome (EDS). Identifiers: Orphanet 98249, MedGen C0013720, MONDO:0020066.
Ehlers-Danlos syndrome, type 4 (EDSVASC). Also called: Ehlers-Danlos syndrome vascular type; Ehlers Danlos syndrome, ecchymotic type; Ehlers Danlos syndrome, arterial type; Ehlers Danlos syndrome, Sack-Barabas type; Ehlers-Danlos Syndrome Type IV. Identifiers: Orphanet 286, MedGen C0268338, MONDO:0017314, OMIM 130050.
Familial thoracic aortic aneurysm and aortic dissection (TAAD). Also called: Thoracic aortic aneurysms and dissections. Identifiers: Orphanet 91387, MedGen C4707243, MONDO:0019625.

Allele frequency attached by ClinVar (database versions not stated): gnomAD exomes 0.00006 and 0.00012; ExAC 0.00013; TOPMed 0.00014; ESP Exome Variant Server 0.00015; gnomAD 0.00017 and 0.00018.
gnomAD v4.1: 129 of 1,613,880 alleles (0.008%); highest among the groups gnomAD compares: Non-Finnish European, 0.0011%; no homozygotes.

Submissions (13):

CeGaT Center for Human Genetics Tuebingen
Classification: Likely benign. Last evaluated: 2026-03-01. Review status: criteria provided, single submitter. Criteria: CeGaT Center For Human Genetics Tuebingen Variant Classification Criteria Version 2. Collection method: clinical testing. Allele origin: germline. Affected: yes. Observed: 4 variant alleles.
Comment: COL3A1: BP4, BP7

Labcorp Genetics (formerly Invitae), Labcorp
Classification: Likely benign for Ehlers-Danlos syndrome, type 4. Last evaluated: 2026-01-24. Review status: criteria provided, single submitter. Criteria: Invitae Variant Classification Sherloc (09022015). Collection method: clinical testing. Allele origin: germline.

Blueprint Genetics
Classification: Benign. Last evaluated: 2024-08-07. Review status: criteria provided, single submitter. Criteria: ACMG Guidelines, 2015. Collection method: clinical testing. Allele origin: germline.

All of Us Research Program, National Institutes of Health
Classification: Benign for Ehlers-Danlos syndrome, type 4. Last evaluated: 2024-02-05. Review status: criteria provided, single submitter. Criteria: ACMG Guidelines, 2015. Collection method: clinical testing. Allele origin: germline. Inheritance: Autosomal dominant inheritance. Observed: 44 variant alleles, 44 heterozygotes.
Comment: This study involves interpretation of variants in research participants for the purpose of population health screening. Participant phenotype was not available at the time of variant classification. Additional details can be found in publication PMID: 35346344, PMCID: PMC8962531

Women's Health and Genetics/Laboratory Corporation of America, LabCorp
Classification: Benign. Last evaluated: 2020-06-29. Review status: criteria provided, single submitter. Criteria: LabCorp Variant Classification Summary - May 2015. Collection method: clinical testing. Allele origin: germline.
Comment: Variant summary: COL3A1 c.2805T>C alters a non-conserved nucleotide resulting in a synonymous change. 4/4 computational tools predict no significant impact on normal splicing. However, these predictions have yet to be confirmed by functional studies. The variant allele was found at a frequency of 0.00012 in 250242 control chromosomes (gnomAD). The observed variant frequency is approximately 93 fold of the estimated maximal expected allele frequency for a pathogenic variant in COL3A1 causing Aortopathy phenotype (1.3e-06), strongly suggesting that the variant is benign. To our knowledge, no occurrence of c.2805T>C in individuals affected with Aortopathy and no experimental evidence demonstrating its impact on protein function have been reported. Six ClinVar submitters (evaluation after 2014) cite the variant as benign (2x) and likely benign (4x). Based on the evidence outlined above, the variant was classified as benign.

Genome Diagnostics Laboratory, The Hospital for Sick Children
Classification: Uncertain significance for Ehlers-Danlos syndrome. Last evaluated: 2020-03-01. Review status: criteria provided, single submitter. Criteria: ACMG Guidelines, 2015. Collection method: clinical testing. Allele origin: germline.

Color Diagnostics, LLC DBA Color Health
Classification: Benign for Familial thoracic aortic aneurysm and aortic dissection. Last evaluated: 2018-10-15. Review status: criteria provided, single submitter. Criteria: ACMG Guidelines, 2015. Collection method: clinical testing. Allele origin: germline.

Illumina Laboratory Services, Illumina
Classification: Benign for Ehlers-Danlos syndrome, type 4. Last evaluated: 2018-01-12. Review status: criteria provided, single submitter. Criteria: ICSL Variant Classification Criteria 13 December 2019. Collection method: clinical testing. Allele origin: germline.
Comment: This variant was observed in the ICSL laboratory as part of a predisposition screen in an ostensibly healthy population. It had not been previously curated by ICSL or reported in the Human Gene Mutation Database (HGMD: prior to June 1st, 2018), and was therefore a candidate for classification through an automated scoring system. Utilizing variant allele frequency, disease prevalence and penetrance estimates, and inheritance mode, an automated score was calculated to assess if this variant is too frequent to cause the disease. Based on the score and internal cut-off values, a variant classified as benign is not then subjected to further curation. The score for this variant resulted in a classification of benign for this disease.

ARUP Laboratories, Molecular Genetics and Genomics, ARUP Laboratories
Classification: Likely benign. Last evaluated: 2017-07-30. Review status: criteria provided, single submitter. Criteria: ARUP Molecular Germline Variant Investigation Process. Collection method: clinical testing. Allele origin: germline.

Ambry Genetics
Classification: Likely benign for Familial thoracic aortic aneurysm and aortic dissection. Last evaluated: 2017-03-13. Review status: criteria provided, single submitter. Criteria: Ambry Variant Classification Scheme 2023. Collection method: clinical testing. Allele origin: germline.

Center for Human Genetics, Inc
Classification: Likely benign for Connective tissue disorder. Last evaluated: 2016-11-01. Review status: criteria provided, single submitter. Criteria: ACMG Guidelines, 2015. Collection method: clinical testing. Allele origin: germline. Affected: yes.

GeneDx
Classification: Benign. Last evaluated: 2014-06-09. Review status: criteria provided, single submitter. Criteria: GeneDx Variant Classification (06012015). Collection method: clinical testing. Allele origin: germline. Affected: yes.
Comment: This variant is considered likely benign or benign based on one or more of the following criteria: it is a conservative change, it occurs at a poorly conserved position in the protein, it is predicted to be benign by multiple in silico algorithms, and/or has population frequency not consistent with disease.

PreventionGenetics, part of Exact Sciences
Classification: Likely benign for COL3A1-related condition. Last evaluated: 2022-08-11. Review status: no assertion criteria provided. Collection method: clinical testing. Allele origin: germline. Not counted in ClinVar's aggregate classification.
Comment: This variant is classified as likely benign based on ACMG/AMP sequence variant interpretation guidelines (Richards et al. 2015 PMID: 25741868, with internal and published modifications).

NM_000090.4(COL3A1):c.2805T>C (p.Pro935=)

Gene: COL3A1 (collagen type III alpha 1 chain; plus strand). Cytogenetic location: 2q32.2.
Variant type: single nucleotide variant.
Coding change: c.2805T>C on transcript NM_000090.4 (MANE Select); coding-DNA position 2805, T replaced by C.
Protein change: p.Pro935=; no amino-acid change (proline 935 retained).
Molecular consequence: synonymous variant.
Genome position (GRCh38, 1-based): chr2:189,004,125, T>C. VCF-style: chr2-189004125-T-C. GRCh37 (hg19) VCF-style: chr2-189868851-T-C.
Other names: p.P935P:CCT>CCC.
Identifiers: ClinVar variation 136854 (VCV000136854.68), dbSNP rs111567071, ClinGen allele CA005687.